The following is an entry in ClinVar:

NM_201384.3(PLEC):c.1210G>T (p.Glu404Ter)

Gene: PLEC (plectin; minus strand). Cytogenetic location: 8q24.3.
Variant type: single nucleotide variant.
Coding change: c.1210G>T on transcript NM_201384.3 (MANE Select); coding-DNA position 1210, G replaced by T.
Protein change: p.Glu404Ter; replaces glutamic acid 404 with a stop codon.
Molecular consequence: nonsense.
Genome position (GRCh38, 1-based): chr8:143,934,051, C>A on the plus strand (G>T on the coding strand, the complement: PLEC is on the minus strand). VCF-style: chr8-143934051-C-A. GRCh37 (hg19) VCF-style: chr8-145008219-C-A.
Other names: NM_201384.3:c.1210G>T; c.1291G>T, p.Glu431Ter (NM_000445.5, NM_001410941.1); c.1168G>T, p.Glu390Ter (NM_201378.4); c.1144G>T, p.Glu382Ter (NM_201379.3); c.1621G>T, p.Glu541Ter (NM_201380.4); c.1114G>T, p.Glu372Ter (NM_201381.3); c.1210G>T, p.Glu404Ter (NM_201382.4); c.1222G>T, p.Glu408Ter (NM_201383.3); short protein forms E372*, E382*, E390*, E404*, E408*, E431*, E541*.
Identifiers: ClinVar variation 2500919 (VCV002500919.1), dbSNP rs1554720083, ClinGen allele CA372584078.

ClinVar aggregate classification (germline): Likely pathogenic (1 of 4 stars; one submission).

Conditions:
Neuromuscular disease caused by qualitative or quantitative defects of plectin. Also called: Qualitative or quantitative defects of plectin. Identifiers: Orphanet 209196, MedGen C5680835, MONDO:0016198.

Submission:

Broad Center for Mendelian Genomics, Broad Institute of MIT and Harvard
Classification: Likely pathogenic for Neuromuscular disease caused by qualitative or quantitative defects of plectin. Last evaluated: 2023-05-02. Review status: criteria provided, single submitter. Criteria: ACMG Guidelines, 2015. Collection method: curation. Allele origin: germline. Inheritance: Autosomal recessive inheritance.
Comment: The p.Glu541* variant in PLEC has not been previously reported in individuals with autosomal recessive limb-girdle muscular dystrophy 17. This variant was absent from large population studies. This nonsense variant leads to a premature termination codon at position 541, which is predicted to lead to a truncated or absent protein. Loss of function of the PLEC gene is an established disease mechanism in PLEC-associated autosomal recessive muscular dystrophy. In summary, although additional studies are required to fully establish its clinical significance, this variant is likely pathogenic for autosomal recessive limb-girdle muscular dystrophy 17. ACMG/AMP Criteria applied: PVS1, PM2_Supporting (Richards 2015).